The following is an entry in ClinVar:

NM_001253697.2(ERBIN):c.1054C>T (p.Leu352Phe)

Gene: ERBIN (erbb2 interacting protein; plus strand). Cytogenetic location: 5q12.3.
Variant type: single nucleotide variant.
Coding change: c.1054C>T on transcript NM_001253697.2 (MANE Select); coding-DNA position 1054, C replaced by T.
Protein change: p.Leu352Phe; replaces leucine 352 with phenylalanine.
Molecular consequence: missense variant.
Genome position (GRCh38, 1-based): chr5:66,026,335, C>T. VCF-style: chr5-66026335-C-T. GRCh37 (hg19) VCF-style: chr5-65322163-C-T.
Other names: c.1054C>T, p.Leu352Phe (NM_001006600.3, NM_001253698.2, NM_001253699.2 and 2 more transcripts); short protein forms L352F.
Identifiers: ClinVar variation 1944572 (VCV001944572.5), dbSNP rs866023448, ClinGen allele CA120406935.

ClinVar aggregate classification (germline): Uncertain significance (1 of 4 stars; one submission).

Allele frequency attached by ClinVar (database versions not stated): gnomAD exomes below 0.00001; gnomAD 0.00002; TOPMed 0.00003.
gnomAD v4.1: 5 of 1,594,178 alleles (0.00031%); highest among the groups gnomAD compares: Admixed American, 0.0035%; no homozygotes.

Submission:

Labcorp Genetics (formerly Invitae), Labcorp
Classification: Uncertain significance. Last evaluated: 2025-10-26. Review status: criteria provided, single submitter. Criteria: Invitae Variant Classification Sherloc (09022015). Collection method: clinical testing. Allele origin: germline.
Comment: This sequence change replaces leucine, which is neutral and non-polar, with phenylalanine, which is neutral and non-polar, at codon 352 of the ERBIN protein (p.Leu352Phe). This variant is not present in population databases (gnomAD no frequency). This variant has not been reported in the literature in individuals affected with ERBIN-related conditions. ClinVar contains an entry for this variant (Variation ID: 1944572). An algorithm developed to predict the effect of missense changes on protein structure and function (PolyPhen-2) suggests that this variant is likely to be disruptive. In summary, the available evidence is currently insufficient to determine the role of this variant in disease. Therefore, it has been classified as a Variant of Uncertain Significance.